The following is an entry in ClinVar:

ClinVar aggregate classification (germline): Uncertain significance (1 of 4 stars; one submission).

Conditions:
Cardiovascular phenotype. Identifiers: MedGen CN230736.

gnomAD v4.1: 1 of 1,614,170 alleles (0.000062%); highest among the groups gnomAD compares: East Asian, 0.0022%; no homozygotes.

Submission:

Ambry Genetics
Classification: Uncertain significance for Cardiovascular phenotype. Last evaluated: 2026-03-09. Review status: criteria provided, single submitter. Criteria: Ambry Variant Classification Scheme 2023. Collection method: clinical testing. Allele origin: germline.
Comment: The p.F659Y variant (also known as c.1976T>A), located in coding exon 13 of the SCN10A gene, results from a T to A substitution at nucleotide position 1976. The phenylalanine at codon 659 is replaced by tyrosine, an amino acid with highly similar properties. This amino acid position is conserved. In addition, this alteration is predicted to be tolerated by in silico analysis. Based on the available evidence, the clinical significance of this variant remains unclear.

NM_006514.4(SCN10A):c.1976T>A (p.Phe659Tyr)

Gene: SCN10A (sodium voltage-gated channel alpha subunit 10; minus strand). Cytogenetic location: 3p22.2.
Variant type: single nucleotide variant.
Coding change: c.1976T>A on transcript NM_006514.4 (MANE Select); coding-DNA position 1976, T replaced by A.
Protein change: p.Phe659Tyr; replaces phenylalanine 659 with tyrosine.
Molecular consequence: missense variant.
Genome position (GRCh38, 1-based): chr3:38,742,421, A>T on the plus strand (T>A on the coding strand, the complement: SCN10A is on the minus strand). VCF-style: chr3-38742421-A-T. GRCh37 (hg19) VCF-style: chr3-38783912-A-T.
Other names: c.1976T>A, p.Phe659Tyr (NM_001293306.2); c.1682T>A, p.Phe561Tyr (NM_001293307.2); short protein forms F561Y, F659Y.
Identifiers: ClinVar variation 4826133 (VCV004826133.1).